The following is an entry in ClinVar:

ClinVar aggregate classification (germline): Likely pathogenic (1 of 4 stars; one submission).

Conditions:
Hereditary cancer-predisposing syndrome. Also called: Neoplastic Syndromes, Hereditary; Tumor predisposition; Hereditary neoplastic syndrome; Hereditary Cancer Syndrome. Identifiers: Orphanet 140162, MedGen C0027672, MeSH D009386, MONDO:0015356.

Submission:

Ambry Genetics
Classification: Likely pathogenic for Hereditary cancer-predisposing syndrome. Last evaluated: 2024-06-07. Review status: criteria provided, single submitter. Criteria: Ambry Variant Classification Scheme 2023. Collection method: clinical testing. Allele origin: germline.
Comment: The c.597+1G>A intronic variant results from a G to A substitution one nucleotide after coding exon 4 of the SUFU gene. This nucleotide position is highly conserved in available vertebrate species. In silico splice site analysis predicts that this alteration will weaken the native splice donor site and will result in the creation or strengthening of a novel splice donor site. Alterations that disrupt the canonical splice site are expected to cause aberrant splicing, resulting in an abnormal protein or a transcript that is subject to nonsense-mediated mRNA decay. As such, this alteration is classified as likely pathogenic.

NM_016169.4(SUFU):c.597+1G>A

Gene: SUFU (SUFU negative regulator of hedgehog signaling; plus strand). Cytogenetic location: 10q24.32.
Variant type: single nucleotide variant.
Coding change: c.597+1G>A on transcript NM_016169.4 (MANE Select); the canonical splice donor site of the intron after coding-DNA position 597, G replaced by A.
Molecular consequence: splice donor variant.
Genome position (GRCh38, 1-based): chr10:102,592,725, G>A. VCF-style: chr10-102592725-G-A. GRCh37 (hg19) VCF-style: chr10-104352482-G-A.
Other names: c.597+1G>A (NM_001178133.2).
Identifiers: ClinVar variation 826085 (VCV000826085.5), dbSNP rs1590062006, ClinGen allele CA377908765.
Genomic context (GRCh38, chr10:102,592,725, plus strand): 5'-ACAGAGGACCCACAGATGCAGCCCGTGCAGACACCCTTTGGGGTAGTTACCTTCCTCCAG[G>A]TGAGGCACAGGTTGGACGCTGGCTCAAGCCTTCCTGTGGGAAGGGTCCTGGGAGGACAAG-3'